The following is an entry in ClinVar:

NM_002878.4(RAD51D):c.547C>T (p.Gln183Ter)

Genes: RAD51D (RAD51 paralog D; minus strand), RAD51L3-RFFL (RAD51L3-RFFL readthrough; minus strand). Cytogenetic location: 17q12.
Variant type: single nucleotide variant.
Coding change: c.547C>T on transcript NM_002878.4 (MANE Select); coding-DNA position 547, C replaced by T.
Protein change: p.Gln183Ter; replaces glutamine 183 with a stop codon.
Molecular consequence: nonsense. On other transcripts: non-coding transcript variant (3).
Genome position (GRCh38, 1-based): chr17:35,106,415, G>A on the plus strand (C>T on the coding strand, the complement: RAD51D is on the minus strand). VCF-style: chr17-35106415-G-A. GRCh37 (hg19) VCF-style: chr17-33433434-G-A.
Other names: c.607C>T, p.Gln203Ter (NM_001142571.2); c.211C>T, p.Gln71Ter (NM_133629.3); short protein forms Q183*, Q71*, Q203*.
Identifiers: ClinVar variation 142754 (VCV000142754.27), dbSNP rs587782695, ClinGen allele CA169325.

ClinVar aggregate classification (germline): Pathogenic/Likely pathogenic. Review status: criteria provided, multiple submitters, no conflicts (2 of 4 stars). 9 submissions from 9 submitters: Pathogenic (8); Likely pathogenic (1). Last evaluated 2025-08-18.

Conditions:
Familial ovarian cancer. Identifiers: MedGen C5679802, MONDO:0016248.
Breast-ovarian cancer, familial, susceptibility to, 4. Identifiers: Orphanet 145, MedGen C3280345, MONDO:0013669, OMIM 614291.
Hereditary cancer-predisposing syndrome. Also called: Hereditary Cancer Syndrome; Neoplastic Syndromes, Hereditary; Hereditary neoplastic syndrome; Tumor predisposition. Identifiers: Orphanet 140162, MedGen C0027672, MeSH D009386, MONDO:0015356.

Submissions (9):

Labcorp Genetics (formerly Invitae), Labcorp
Classification: Pathogenic for Breast-ovarian cancer, familial, susceptibility to, 4. Last evaluated: 2025-08-18. Review status: criteria provided, single submitter. Criteria: Invitae Variant Classification Sherloc (09022015). Collection method: clinical testing. Allele origin: germline.
Comment: This sequence change creates a premature translational stop signal (p.Gln183*) in the RAD51D gene. It is expected to result in an absent or disrupted protein product. Loss-of-function variants in RAD51D are known to be pathogenic (PMID: 21822267). This variant is not present in population databases (gnomAD no frequency). This variant has not been reported in the literature in individuals affected with RAD51D-related conditions. ClinVar contains an entry for this variant (Variation ID: 142754). For these reasons, this variant has been classified as Pathogenic.

Color Diagnostics, LLC DBA Color Health
Classification: Pathogenic for Hereditary cancer-predisposing syndrome. Last evaluated: 2025-07-28. Review status: criteria provided, single submitter. Criteria: ACMG Guidelines, 2015. Collection method: clinical testing. Allele origin: germline.
Comment: This variant changes 1 nucleotide in exon 6 of the RAD51D gene, creating a premature translation stop signal. This variant is expected to result in an absent or non-functional protein product. To our knowledge, this variant has not been reported in individuals affected with RAD51D-related disorders in the literature. This variant has not been identified in the general population by the Genome Aggregation Database (gnomAD). Loss of RAD51D function is a known mechanism of disease. Based on the available evidence, this variant is classified as Pathogenic.

Ambry Genetics
Classification: Pathogenic for Hereditary cancer-predisposing syndrome. Last evaluated: 2024-12-30. Review status: criteria provided, single submitter. Criteria: Ambry Variant Classification Scheme 2023. Collection method: clinical testing. Allele origin: germline.
Comment: The p.Q183* pathogenic mutation (also known as c.547C>T), located in coding exon 6 of the RAD51D gene, results from a C to T substitution at nucleotide position 547. This changes the amino acid from a glutamine to a stop codon within coding exon 6. This variant is considered to be rare based on population cohorts in the Genome Aggregation Database (gnomAD). This alteration is expected to result in loss of function by premature protein truncation or nonsense-mediated mRNA decay. As such, this alteration is interpreted as a disease-causing mutation.

Molecular Pathology, Peter Maccallum Cancer Centre
Classification: Pathogenic for Familial ovarian cancer. Last evaluated: 2024-10-25. Review status: criteria provided, single submitter. Criteria: ACMG Guidelines, 2015. Collection method: clinical testing. Allele origin: germline. Inheritance: Autosomal dominant inheritance.

GeneDx
Classification: Pathogenic. Last evaluated: 2024-02-16. Review status: criteria provided, single submitter. Criteria: GeneDx Variant Classification Process June 2021. Collection method: clinical testing. Allele origin: germline. Affected: yes.
Comment: Nonsense variant predicted to result in protein truncation or nonsense mediated decay in a gene for which loss of function is a known mechanism of disease; Not observed at significant frequency in large population cohorts (gnomAD); Observed in individuals with a personal and/or family history of breast and/or ovarian cancer (PMID: 28888541, 32107557); This variant is associated with the following publications: (PMID: 28152038, 32107557, 21822267, 28888541, 32359370)

Myriad Genetics, Inc.
Classification: Pathogenic for Breast-ovarian cancer, familial, susceptibility to, 4. Last evaluated: 2024-01-04. Review status: criteria provided, single submitter. Criteria: Myriad Autosomal Dominant, Autosomal Recessive and X-Linked Classification Criteria (2023). Collection method: clinical testing. Allele origin: unknown.
Comment: This variant is considered pathogenic. This variant creates a termination codon and is predicted to result in premature protein truncation.

Baylor Genetics
Classification: Pathogenic for Breast-ovarian cancer, familial, susceptibility to, 4. Last evaluated: 2023-08-18. Review status: criteria provided, single submitter. Criteria: ACMG Guidelines, 2015. Collection method: clinical testing. Allele origin: unknown.

Quest Diagnostics Nichols Institute San Juan Capistrano
Classification: Pathogenic. Last evaluated: 2023-05-10. Review status: criteria provided, single submitter. Criteria: Quest Diagnostics criteria. Collection method: clinical testing. Allele origin: unknown.
Comment: This nonsense variant causes the premature termination of RAD51D protein synthesis. It also has not been reported in large, multi-ethnic general populations. In the published literature, the variant has been reported in individuals with ovarian cancer (PMID: 28888541 (2017), 32107557 (2020)). Based on the available information, this variant is classified as pathogenic.

Sema4
Classification: Likely pathogenic for Hereditary cancer-predisposing syndrome. Last evaluated: 2021-08-18. Review status: criteria provided, single submitter. Criteria: Sema4 Curation Guidelines. Collection method: curation. Allele origin: germline.
Comment: To the best of our knowledge, the RAD51D c.547C>T (p.Q183X) variant has not been reported in individuals with RAD51D-related disease. This nonsense variant creates a premature stop codon at residue 183 of the RAD51D protein. At this location, this is predicted to cause nonsense-mediated decay and result in an absent protein (loss of function). This variant is not reported in the population database Genome Aggregation Database (PMID: 32461654). This variant has been reported in ClinVar (Variation ID: 142754). Based on the current evidence available, this variant is interpreted as likely pathogenic.

Literature cited by the submitters: PubMed 21822267 (cited by Labcorp Genetics (formerly Invitae), Labcorp); PubMed 28152038 (cited by Quest Diagnostics Nichols Institute San Juan Capistrano); PubMed 28888541 (cited by Quest Diagnostics Nichols Institute San Juan Capistrano); PubMed 32107557 (cited by Quest Diagnostics Nichols Institute San Juan Capistrano); PubMed 32359370 (cited by Quest Diagnostics Nichols Institute San Juan Capistrano).